The following is an entry in ClinVar:

NM_001082486.2(ACD):c.327G>C (p.Glu109Asp)

Gene: ACD (ACD shelterin complex subunit and telomerase recruitment factor; minus strand). Cytogenetic location: 16q22.1.
Variant type: single nucleotide variant.
Coding change: c.327G>C on transcript NM_001082486.2 (MANE Select); coding-DNA position 327, G replaced by C.
Protein change: p.Glu109Asp; replaces glutamic acid 109 with aspartic acid.
Molecular consequence: missense variant.
Genome position (GRCh38, 1-based): chr16:67,659,711, C>G on the plus strand (G>C on the coding strand, the complement: ACD is on the minus strand). VCF-style: chr16-67659711-C-G. GRCh37 (hg19) VCF-style: chr16-67693614-C-G.
Other names: c.327G>C, p.Glu109Asp (NM_001410884.1); c.318G>C, p.Glu106Asp (NM_022914.3); short protein forms E106D, E109D.
Identifiers: ClinVar variation 1750133 (VCV001750133.2), dbSNP rs2543608894, ClinGen allele CA396355764.

ClinVar aggregate classification (germline): Uncertain significance (1 of 4 stars; one submission).

Conditions:
Inborn genetic diseases. Identifiers: MedGen C0950123, MeSH D030342.

Submission:

Ambry Genetics
Classification: Uncertain significance for Inborn genetic diseases. Last evaluated: 2021-11-02. Review status: criteria provided, single submitter. Criteria: Ambry Variant Classification Scheme 2023. Collection method: clinical testing. Allele origin: germline.
Comment: The p.E195D variant (also known as c.585G>C), located in coding exon 3 of the ACD gene, results from a G to C substitution at nucleotide position 585. The glutamic acid at codon 195 is replaced by aspartic acid, an amino acid with highly similar properties. This amino acid position is conserved. In addition, this alteration is predicted to be tolerated by in silico analysis. Since supporting evidence is limited at this time, the clinical significance of this alteration remains unclear.